The following is an entry in ClinVar:

NM_007294.4(BRCA1):c.3116C>G (p.Ala1039Gly)

Gene: BRCA1 (BRCA1 DNA repair associated; minus strand). Cytogenetic location: 17q21.31.
Variant type: single nucleotide variant.
Coding change: c.3116C>G on transcript NM_007294.4 (MANE Select); coding-DNA position 3116, C replaced by G.
Protein change: p.Ala1039Gly; replaces alanine 1039 with glycine.
Molecular consequence: missense variant. On other transcripts: intron variant (137).
Genome position (GRCh38, 1-based): chr17:43,092,415, G>C on the plus strand (C>G on the coding strand, the complement: BRCA1 is on the minus strand). VCF-style: chr17-43092415-G-C. GRCh37 (hg19) VCF-style: chr17-41244432-G-C.
Other names: c.2993C>G, p.Ala998Gly (NM_001407675.1, NM_001407676.1, NM_001407677.1 and 19 more transcripts); c.3116C>G, p.Ala1039Gly (NM_001407684.1, NM_001407858.1, NM_001407859.1 and 30 more transcripts); c.3113C>G, p.Ala1038Gly (NM_001407860.1, NM_001407861.1, NM_001407587.1 and 22 more transcripts); c.2915C>G, p.Ala972Gly (NM_001407862.1); c.2912C>G, p.Ala971Gly (NM_001407874.1, NM_001407875.1); c.2906C>G, p.Ala969Gly (NM_001407879.1, NM_001407881.1, NM_001407900.1 and 13 more transcripts); c.2972C>G, p.Ala991Gly (NM_001407849.1, NM_001407749.1, NM_001407838.1 and 20 more transcripts); c.2975C>G, p.Ala992Gly (NM_001407850.1, NM_001407851.1, NM_001407852.1 and 29 more transcripts); and 41 more; short protein forms A1012G, A1013G, A1036G, A1038G, A1039G, A743G, A871G, A911G.
Identifiers: ClinVar variation 4856535 (VCV004856535.1).

ClinVar aggregate classification (germline): Likely benign (1 of 4 stars; one submission).

Conditions:
Breast-ovarian cancer, familial, susceptibility to, 1 (BROVCA1). Also called: OVARIAN CANCER, SUSCEPTIBILITY TO; BRCA1 Hereditary Breast and Ovarian Cancer. Identifiers: Orphanet 145, MedGen C2676676, MONDO:0011450, OMIM 604370. Disease mechanism: loss of function.

gnomAD v4.1: 1 of 1,613,746 alleles (0.000062%); highest among the groups gnomAD compares: South Asian, 0.0011%; no homozygotes.

Submission:

Cancer Bioinformatics and Tumour Evolution Laboratory, Monash University
Classification: Likely benign for Breast-ovarian cancer, familial, susceptibility to, 1. Last evaluated: 2026-05-01. Review status: criteria provided, single submitter. Criteria: ClinGen BRCA1 and BRCA2 Guidelines, 2024. Collection method: curation. Allele origin: germline. Inheritance: Autosomal dominant inheritance.
Comment: Missense variant outside of a functional domain with no splice impact. BRCA1 and BRCA2 VCEP guidelines recommend application of BP1_Strong (PMID: 39142283)